The following is an entry in ClinVar:

ClinVar aggregate classification (germline): Uncertain significance (1 of 4 stars; one submission).

Conditions:
Hereditary cancer-predisposing syndrome. Also called: Neoplastic Syndromes, Hereditary; Tumor predisposition; Hereditary neoplastic syndrome; Hereditary Cancer Syndrome. Identifiers: Orphanet 140162, MedGen C0027672, MeSH D009386, MONDO:0015356.

Submission:

Ambry Genetics
Classification: Uncertain significance for Hereditary cancer-predisposing syndrome. Last evaluated: 2026-07-06. Review status: criteria provided, single submitter. Criteria: Ambry Variant Classification Scheme 2023. Collection method: clinical testing. Allele origin: germline.
Comment: The p.R268S variant (also known as c.804A>C), located in coding exon 6 of the FH gene, results from an A to C substitution at nucleotide position 804. The arginine at codon 268 is replaced by serine, an amino acid with dissimilar properties. This amino acid position is conserved. In addition, this alteration is predicted to be deleterious by in silico analysis. Based on the available evidence, the clinical significance of this variant remains unclear.

NM_000143.4(FH):c.804A>C (p.Arg268Ser)

Gene: FH (fumarate hydratase; minus strand). Cytogenetic location: 1q43.
Variant type: single nucleotide variant.
Coding change: c.804A>C on transcript NM_000143.4 (MANE Select); coding-DNA position 804, A replaced by C.
Protein change: p.Arg268Ser; replaces arginine 268 with serine.
Molecular consequence: missense variant.
Genome position (GRCh38, 1-based): chr1:241,506,103, T>G on the plus strand (A>C on the coding strand, the complement: FH is on the minus strand). VCF-style: chr1-241506103-T-G. GRCh37 (hg19) VCF-style: chr1-241669403-T-G.
Other names: short protein forms R268S.
Identifiers: ClinVar variation 5021727 (VCV005021727.1).